The following is an entry in ClinVar:

NM_015602.4(TOR1AIP1):c.88G>C (p.Gly30Arg)

Genes: TOR1AIP1 (torsin 1A interacting protein 1; plus strand), LOC112577517 (Sharpr-MPRA regulatory region 13766; plus strand). Cytogenetic location: 1q25.2.
Variant type: single nucleotide variant.
Coding change: c.88G>C on transcript NM_015602.4 (MANE Select); coding-DNA position 88, G replaced by C.
Protein change: p.Gly30Arg; replaces glycine 30 with arginine.
Molecular consequence: missense variant.
Genome position (GRCh38, 1-based): chr1:179,882,590, G>C. VCF-style: chr1-179882590-G-C. GRCh37 (hg19) VCF-style: chr1-179851725-G-C.
Other names: c.88G>C, p.Gly30Arg (NM_001267578.2); short protein forms G30R.
Identifiers: ClinVar variation 845146 (VCV000845146.7), dbSNP rs779312410, ClinGen allele CA1268646.

ClinVar aggregate classification (germline): Uncertain significance (1 of 4 stars; one submission).

Conditions:
Autosomal recessive limb-girdle muscular dystrophy type 2Y (MRRSDC). Also called: Muscular dystrophy, limb-girdle, type 2y; Muscular dystrophy, autosomal recessive, with rigid spine and distal joint contractures. Identifiers: Orphanet 424261, MedGen C4511482, MONDO:0014900, OMIM 617072.

Allele frequency attached by ClinVar (database versions not stated): ExAC 0.00001; gnomAD exomes 0.00001.

Submission:

Labcorp Genetics (formerly Invitae), Labcorp
Classification: Uncertain significance for Autosomal recessive limb-girdle muscular dystrophy type 2Y. Last evaluated: 2019-01-12. Review status: criteria provided, single submitter. Criteria: Invitae Variant Classification Sherloc (09022015). Collection method: clinical testing. Allele origin: germline.
Comment: In summary, the available evidence is currently insufficient to determine the role of this variant in disease. Therefore, it has been classified as a Variant of Uncertain Significance. Algorithms developed to predict the effect of missense changes on protein structure and function output the following: SIFT: "Tolerated"; PolyPhen-2: "Benign"; Align-GVGD: "Class C0". The arginine amino acid residue is found in multiple mammalian species, suggesting that this missense change does not adversely affect protein function. These predictions have not been confirmed by published functional studies and their clinical significance is uncertain. This variant has not been reported in the literature in individuals with TOR1AIP1-related conditions. This variant is present in population databases (rs779312410, ExAC 0.002%). This sequence change replaces glycine with arginine at codon 30 of the TOR1AIP1 protein (p.Gly30Arg). The glycine residue is weakly conserved and there is a moderate physicochemical difference between glycine and arginine.